The following is an entry in ClinVar:

NM_000138.4(FBN1):c.7491_7498delinsAGCAACACAACCAAACAACACAATG (p.Phe2498fs)

Gene: FBN1 (fibrillin 1; minus strand). Cytogenetic location: 15q21.1.
Variant type: Indel.
Coding change: c.7491_7498delinsAGCAACACAACCAAACAACACAATG on transcript NM_000138.4; coding-DNA positions 7491 to 7498, GTTCCTAT replaced by AGCAACACAACCAAACAACACAATG.
Protein change: p.Phe2498fs; shifts the reading frame from phenylalanine 2498.
Genome position (GRCh38, 1-based): chr15:48,422,024-48,422,031, ATAGGAAC replaced by CATTGTGTTGTTTGGTTGTGTTGCT on the plus strand (GTTCCTAT replaced by AGCAACACAACCAAACAACACAATG on the coding strand, the reverse complement: FBN1 is on the minus strand). GRCh37 (hg19): chr15:48,714,221-48,714,228.
Other names: c.7491_7498delinsAGCAACACAACCAAACAACACAATG, p.Phe2498fs (LRG_778t1).
Identifiers: ClinVar variation 633206 (VCV000633206.1), dbSNP rs1566891846, ClinGen allele CA913190851.

ClinVar aggregate classification (germline): Likely pathogenic (1 of 4 stars; one submission).

Conditions:
Marfan Syndrome/Loeys-Dietz Syndrome/Familial Thoracic Aortic Aneurysms and Dissections. Identifiers: MedGen CN229799.

Submission:

Women's Health and Genetics/Laboratory Corporation of America, LabCorp
Classification: Likely pathogenic for Marfan Syndrome/Loeys-Dietz Syndrome/Familial Thoracic Aortic Aneurysms and Dissections. Last evaluated: 2018-03-01. Review status: criteria provided, single submitter. Criteria: LabCorp Variant Classification Summary - May 2015. Collection method: clinical testing. Allele origin: germline.
Comment: Variant summary: FBN1 c.7491_7498delinsAGCAACACAACCAAACAACACAATG (p.Phe2498AlafsX190) results in a premature termination codon, predicted to cause a truncation of the encoded protein or absence of the protein due to nonsense mediated decay, which are commonly known mechanisms for disease. Truncations downstream of this position have been classified as likely pathogenic/pathogenic by our laboratory (eg. c.7574dupA (p.Asn2525fsX3), c.8326C>T (p.Arg2776X), and c.7657C>T (p.Gln2553X)). The variant was absent in 245962 control chromosomes (gnomAD). To our knowledge, no occurrence of c.7491_7498delinsAGCAACACAACCAAACAACACAATG in individuals affected with Marfan Syndrome and no experimental evidence demonstrating its impact on protein function have been reported. No clinical diagnostic laboratories have submitted clinical-significance assessments for this variant to ClinVar after 2014. Based on the evidence outlined above, the variant was classified as likely pathogenic.